The following is an entry in ClinVar:

NM_000017.4(ACADS):c.263T>G (p.Leu88Arg)

Gene: ACADS (acyl-CoA dehydrogenase short chain; plus strand). Cytogenetic location: 12q24.31.
Variant type: single nucleotide variant.
Coding change: c.263T>G on transcript NM_000017.4 (MANE Select); coding-DNA position 263, T replaced by G.
Protein change: p.Leu88Arg; replaces leucine 88 with arginine.
Molecular consequence: missense variant.
Genome position (GRCh38, 1-based): chr12:120,737,038, T>G. VCF-style: chr12-120737038-T-G. GRCh37 (hg19) VCF-style: chr12-121174841-T-G.
Other names: c.263T>G, p.Leu88Arg (NM_001302554.2); short protein forms L88R.
Identifiers: ClinVar variation 2730827 (VCV002730827.3), dbSNP rs1883465444, ClinGen allele CA386614033.

ClinVar aggregate classification (germline): Likely pathogenic (1 of 4 stars; one submission).

Conditions:
Deficiency of butyryl-CoA dehydrogenase (ACADSD). Also called: SCAD DEFICIENCY, MILD; ACYL-CoA DEHYDROGENASE, SHORT-CHAIN, DEFICIENCY OF; SCAD Deficiency; SCADH DEFICIENCY; ACADS DEFICIENCY; Short-Chain Acyl-CoA Dehydrogenase Deficiency. Identifiers: Orphanet 26792, MedGen C0342783, MONDO:0008722, OMIM 201470. Disease mechanism: May be benign.

Allele frequency attached by ClinVar (database versions not stated): TOPMed below 0.00001.

Submission:

Labcorp Genetics (formerly Invitae), Labcorp
Classification: Likely pathogenic for Deficiency of butyryl-CoA dehydrogenase. Last evaluated: 2023-12-13. Review status: criteria provided, single submitter. Criteria: Invitae Variant Classification Sherloc (09022015). Collection method: clinical testing. Allele origin: germline.
Comment: This sequence change replaces leucine, which is neutral and non-polar, with arginine, which is basic and polar, at codon 88 of the ACADS protein (p.Leu88Arg). This variant is not present in population databases (gnomAD no frequency). This missense change has been observed in individual(s) with elevated C4 suggestive of short-chain acyl-coenzyme A dehydrogenase deficiency (Invitae). In at least one individual the data is consistent with being in trans (on the opposite chromosome) from a pathogenic variant. Advanced modeling of protein sequence and biophysical properties (such as structural, functional, and spatial information, amino acid conservation, physicochemical variation, residue mobility, and thermodynamic stability) performed at Invitae indicates that this missense variant is expected to disrupt ACADS protein function with a positive predictive value of 95%. In summary, the currently available evidence indicates that the variant is pathogenic, but additional data are needed to prove that conclusively. Therefore, this variant has been classified as Likely Pathogenic.